The following is an entry in ClinVar:

ClinVar aggregate classification (germline): Uncertain significance. Review status: criteria provided, multiple submitters, no conflicts (2 of 4 stars). 2 submissions from 2 submitters: Uncertain significance (2). Last evaluated 2025-11-26.

Conditions:
Hereditary cancer-predisposing syndrome. Also called: Tumor predisposition; Hereditary neoplastic syndrome; Neoplastic Syndromes, Hereditary; Hereditary Cancer Syndrome. Identifiers: Orphanet 140162, MedGen C0027672, MeSH D009386, MONDO:0015356.

Submissions (2):

Ambry Genetics
Classification: Uncertain significance for Hereditary cancer-predisposing syndrome. Last evaluated: 2025-11-26. Review status: criteria provided, single submitter. Criteria: Ambry Variant Classification Scheme 2023. Collection method: clinical testing. Allele origin: germline.
Comment: The c.5742dupT variant, located in coding exon 26 of the DICER1 gene, results from a duplication of T at nucleotide position 5742, causing a translational frameshift with a predicted alternate stop codon (p.N1915*). This alteration occurs at the 3' terminus of the gene, is not expected to trigger nonsense-mediated mRNAdecay, and impacts the last 8 amino acids of the protein. The exact functional effect of this alteration is unknown. Based on the available evidence, the clinical significance of this variant remains unclear.

GeneDx
Classification: Uncertain significance. Last evaluated: 2023-02-27. Review status: criteria provided, single submitter. Criteria: GeneDx Variant Classification Process June 2021. Collection method: clinical testing. Allele origin: germline. Affected: yes.
Comment: Not observed at significant frequency in large population cohorts (gnomAD); Nonsense variant predicted to result in protein truncation as the last 8 amino acids are lost, although loss-of-function variants have not been reported downstream of this position in the protein; Has not been previously published as pathogenic or benign to our knowledge

NM_177438.3(DICER1):c.5742dup (p.Asn1915Ter)

Gene: DICER1 (dicer 1, ribonuclease III; minus strand). Cytogenetic location: 14q32.13.
Variant type: Duplication.
Coding change: c.5742dup on transcript NM_177438.3 (MANE Select); coding-DNA position 5742, one base duplicated (T; older notation c.5742dupT).
Protein change: p.Asn1915Ter; replaces asparagine 1915 with a stop codon.
Molecular consequence: nonsense. On other transcripts: 3 prime UTR variant (1), frameshift variant (1), non-coding transcript variant (6).
Genome position (GRCh38, 1-based): chr14:95,090,525, A duplicated on the plus strand (T on the coding strand, the reverse complement: DICER1 is on the minus strand). VCF-style (leftmost placement, unchanged base first): chr14-95090524-T-TA. GRCh37 (hg19) VCF-style: chr14-95556861-T-TA.
Other names: c.*89dup (NM_001195573.1); c.5742dup, p.Asn1915Ter (NM_001271282.3, NM_001291628.2, NM_001395677.1 and 7 more transcripts); c.5742dup, p.Asn1915Terfs (NM_001395681.1); c.5460dup, p.Asn1821Ter (NM_001395686.1); c.5337dup, p.Asn1780Ter (NM_001395687.1, NM_001395688.1, NM_001395689.1 and 1 more transcripts); c.5175dup, p.Asn1726Ter (NM_001395691.1); c.4059dup, p.Asn1354Ter (NM_001395697.1); c.5742dupT (NM_177438.2); short protein forms N1354*, N1726*, N1780*, N1821*, N1915*.
Identifiers: ClinVar variation 2577807 (VCV002577807.2), dbSNP rs2542389875, ClinGen allele CA2580617483.
Genomic context (GRCh38, chr14:95,090,524, plus strand): 5'-TTTTGTTTCTTGTTTTGAATTTTAAAAAGCGGTTTCAGCTATTGGGAACCTGAGGTTGAT[T>TA]AGCTTTGAGGCTTCGGAGGGCTCTTCTTGCTGCTGCAGATTTGGCAATCCTGTAACTTCG-3'